The following is an entry in ClinVar:

ClinVar aggregate classification (germline): Uncertain significance (1 of 4 stars; one submission).

Conditions:
Combined immunodeficiency due to DOCK8 deficiency (HIES2). Also called: DOCK8 Deficiency; HIES autosomal recessive; HYPER-IgE RECURRENT INFECTION SYNDROME 2, AUTOSOMAL RECESSIVE; HYPER-IgE SYNDROME 2, AUTOSOMAL RECESSIVE, WITH RECURRENT INFECTIONS; Hyper-IgE recurrent infection syndrome, autosomal recessive. Identifiers: Orphanet 217390, MedGen C4722305, MONDO:0009478, OMIM 243700.

gnomAD v4.1: 10 of 1,610,904 alleles (0.00062%); highest among the groups gnomAD compares: Non-Finnish European, 0.00085%; no homozygotes.

Submission:

Labcorp Genetics (formerly Invitae), Labcorp
Classification: Uncertain significance for Combined immunodeficiency due to DOCK8 deficiency. Last evaluated: 2020-03-22. Review status: criteria provided, single submitter. Criteria: Invitae Variant Classification Sherloc (09022015). Collection method: clinical testing. Allele origin: germline.
Comment: This variant is not present in population databases (ExAC no frequency). This variant has not been reported in the literature in individuals with DOCK8-related conditions. Algorithms developed to predict the effect of missense changes on protein structure and function are either unavailable or do not agree on the potential impact of this missense change (SIFT: "Deleterious"; PolyPhen-2: "Probably Damaging"; Align-GVGD: "Class C0"). Algorithms developed to predict the effect of sequence changes on RNA splicing suggest that this variant may create or strengthen a splice site, but this prediction has not been confirmed by published transcriptional studies. In summary, the available evidence is currently insufficient to determine the role of this variant in disease. Therefore, it has been classified as a Variant of Uncertain Significance. This sequence change replaces lysine with arginine at codon 2012 of the DOCK8 protein (p.Lys2012Arg). The lysine residue is highly conserved and there is a small physicochemical difference between lysine and arginine.

NM_203447.4(DOCK8):c.6035A>G (p.Lys2012Arg)

Gene: DOCK8 (dedicator of cytokinesis 8; plus strand). Cytogenetic location: 9p24.3.
Variant type: single nucleotide variant.
Coding change: c.6035A>G on transcript NM_203447.4 (MANE Select); coding-DNA position 6035, A replaced by G.
Protein change: p.Lys2012Arg; replaces lysine 2012 with arginine.
Molecular consequence: missense variant.
Genome position (GRCh38, 1-based): chr9:452,084, A>G. VCF-style: chr9-452084-A-G. GRCh37 (hg19) VCF-style: chr9-452084-A-G.
Other names: c.5735A>G, p.Lys1912Arg (NM_001190458.2); c.5831A>G, p.Lys1944Arg (NM_001193536.2); short protein forms K2012R, K1912R, K1944R.
Identifiers: ClinVar variation 1044844 (VCV001044844.9), dbSNP rs2057484922, ClinGen allele CA372769783.
Genomic context (GRCh38, chr9:452,084, plus strand): 5'-TAGCCCAAGTGTTTTTGGCTGAAATTCCTGCTGATCCAAAACTCTATCGACATCACAACA[A>G]GTTGAGGTTATGCTTTAAGGAATTCATCATGAGGTAAGAAGGAAAATGGCTGGGAATTTC-3'
Protein context (NP_982272.2, residues 2002-2022): ADPKLYRHHN[Lys2012Arg]LRLCFKEFIM